The following is an entry in ClinVar:

NM_205861.3(DHDDS):c.566A>G (p.Asp189Gly)

Gene: DHDDS (dehydrodolichyl diphosphate synthase subunit; plus strand). Cytogenetic location: 1p36.11.
Variant type: single nucleotide variant.
Coding change: c.566A>G on transcript NM_205861.3 (MANE Select); coding-DNA position 566, A replaced by G.
Protein change: p.Asp189Gly; replaces aspartic acid 189 with glycine.
Molecular consequence: missense variant.
Genome position (GRCh38, 1-based): chr1:26,457,814, A>G. VCF-style: chr1-26457814-A-G. GRCh37 (hg19) VCF-style: chr1-26784305-A-G.
Other names: c.464A>G, p.Asp155Gly (NM_001243564.2); c.449A>G, p.Asp150Gly (NM_001243565.2); c.287A>G, p.Asp96Gly (NM_001319959.2); c.566A>G, p.Asp189Gly (NM_024887.4); short protein forms D155G, D189G, D96G, D150G.
Identifiers: ClinVar variation 1907496 (VCV001907496.5), dbSNP rs1262390450, ClinGen allele CA339144589.

ClinVar aggregate classification (germline): Uncertain significance. Review status: criteria provided, multiple submitters, no conflicts (2 of 4 stars). 2 submissions from 2 submitters: Uncertain significance (2). Last evaluated 2025-08-22.

Conditions:
Retinitis pigmentosa 59 (RP59). Identifiers: Orphanet 791, MedGen C3151227, MONDO:0013468, OMIM 613861.
Inborn genetic diseases. Identifiers: MedGen C0950123, MeSH D030342.

Allele frequency attached by ClinVar (database versions not stated): gnomAD exomes 0.00001; TOPMed 0.00001.
gnomAD v4.1: 5 of 1,613,750 alleles (0.00031%); highest among the groups gnomAD compares: Middle Eastern, 0.016%; no homozygotes.

Submissions (2):

Labcorp Genetics (formerly Invitae), Labcorp
Classification: Uncertain significance for Retinitis pigmentosa 59. Last evaluated: 2025-08-22. Review status: criteria provided, single submitter. Criteria: Invitae Variant Classification Sherloc (09022015). Collection method: clinical testing. Allele origin: germline.
Comment: This sequence change replaces aspartic acid, which is acidic and polar, with glycine, which is neutral and non-polar, at codon 189 of the DHDDS protein (p.Asp189Gly). This variant is present in population databases (no rsID available, gnomAD 0.009%). This variant has not been reported in the literature in individuals affected with DHDDS-related conditions. ClinVar contains an entry for this variant (Variation ID: 1907496). Invitae Evidence Modeling of protein sequence and biophysical properties (such as structural, functional, and spatial information, amino acid conservation, physicochemical variation, residue mobility, and thermodynamic stability) indicates that this missense variant is not expected to disrupt DHDDS protein function with a negative predictive value of 80%. Algorithms developed to predict the effect of sequence changes on RNA splicing suggest that this variant may disrupt the consensus splice site. In summary, the available evidence is currently insufficient to determine the role of this variant in disease. Therefore, it has been classified as a Variant of Uncertain Significance.

Ambry Genetics
Classification: Uncertain significance for Inborn genetic diseases. Last evaluated: 2021-07-09. Review status: criteria provided, single submitter. Criteria: Ambry Variant Classification Scheme 2023. Collection method: clinical testing. Allele origin: germline.